The following is an entry in ClinVar:

NM_017849.4(TMEM127):c.48G>C (p.Arg16Ser)

Genes: TMEM127 (transmembrane protein 127; minus strand), LOC129934333 (ATAC-STARR-seq lymphoblastoid silent region 11759; plus strand). Cytogenetic location: 2q11.2.
Variant type: single nucleotide variant.
Coding change: c.48G>C on transcript NM_017849.4 (MANE Select); coding-DNA position 48, G replaced by C.
Protein change: p.Arg16Ser; replaces arginine 16 with serine.
Molecular consequence: missense variant. On other transcripts: intron variant (1).
Genome position (GRCh38, 1-based): chr2:96,265,334, C>G on the plus strand (G>C on the coding strand, the complement: TMEM127 is on the minus strand). VCF-style: chr2-96265334-C-G. GRCh37 (hg19) VCF-style: chr2-96931072-C-G.
Other names: c.48G>C, p.Arg16Ser (NM_001193304.3); c.-9+535G>C (NM_001407283.1); short protein forms R16S.
Identifiers: ClinVar variation 2805335 (VCV002805335.3), dbSNP rs2104308307, ClinGen allele CA347656232.

ClinVar aggregate classification (germline): Uncertain significance (1 of 4 stars; one submission).

Conditions:
Hereditary pheochromocytoma and paraganglioma. Also called: Hereditary Paraganglioma-Pheochromocytoma Syndromes; Hereditary pheochromocytoma-paraganglioma; Hereditary paragangliomas and pheochromocytomas. Identifiers: Orphanet 29072, MedGen C4274332, MONDO:0017366.

Submission:

Labcorp Genetics (formerly Invitae), Labcorp
Classification: Uncertain significance for Hereditary pheochromocytoma and paraganglioma. Last evaluated: 2023-05-30. Review status: criteria provided, single submitter. Criteria: Invitae Variant Classification Sherloc (09022015). Collection method: clinical testing. Allele origin: germline.
Comment: This sequence change replaces arginine, which is basic and polar, with serine, which is neutral and polar, at codon 16 of the TMEM127 protein (p.Arg16Ser). This variant is not present in population databases (gnomAD no frequency). This variant has not been reported in the literature in individuals affected with TMEM127-related conditions. Experimental studies and prediction algorithms are not available or were not evaluated, and the functional significance of this variant is currently unknown. In summary, the available evidence is currently insufficient to determine the role of this variant in disease. Therefore, it has been classified as a Variant of Uncertain Significance.